The following is an entry in ClinVar:

ClinVar aggregate classification (germline): Uncertain significance. Review status: criteria provided, multiple submitters, no conflicts (2 of 4 stars). 2 submissions from 2 submitters: Uncertain significance (2). Last evaluated 2025-10-31.

Conditions:
Hereditary cancer-predisposing syndrome. Also called: Neoplastic Syndromes, Hereditary; Hereditary neoplastic syndrome; Tumor predisposition; Hereditary Cancer Syndrome. Identifiers: Orphanet 140162, MedGen C0027672, MeSH D009386, MONDO:0015356.
Multiple endocrine neoplasia, type 1 (MEN1). Also called: MEA I; MEN I; WERMER SYNDROME; Endocrine adenomatosis multiple; MEN 1. Identifiers: Orphanet 652, MedGen C0025267, MeSH D018761, MONDO:0007540, OMIM 131100.

Allele frequency attached by ClinVar (database versions not stated): gnomAD exomes below 0.00001.
gnomAD v4.1: 1 of 1,614,160 alleles (0.000062%); highest among the groups gnomAD compares: Non-Finnish European, 0.000085%; no homozygotes.

Submissions (2):

Labcorp Genetics (formerly Invitae), Labcorp
Classification: Uncertain significance for Multiple endocrine neoplasia, type 1. Last evaluated: 2025-10-31. Review status: criteria provided, single submitter. Criteria: Invitae Variant Classification Sherloc (09022015). Collection method: clinical testing. Allele origin: germline.
Comment: This sequence change replaces glycine, which is neutral and non-polar, with serine, which is neutral and polar, at codon 200 of the MEN1 protein (p.Gly200Ser). This variant is not present in population databases (gnomAD no frequency). This variant has not been reported in the literature in individuals affected with MEN1-related conditions. ClinVar contains an entry for this variant (Variation ID: 665583). Invitae Evidence Modeling of protein sequence and biophysical properties (such as structural, functional, and spatial information, amino acid conservation, physicochemical variation, residue mobility, and thermodynamic stability) indicates that this missense variant is expected to disrupt MEN1 protein function with a positive predictive value of 95%. In summary, the available evidence is currently insufficient to determine the role of this variant in disease. Therefore, it has been classified as a Variant of Uncertain Significance.

Ambry Genetics
Classification: Uncertain significance for Hereditary cancer-predisposing syndrome. Last evaluated: 2025-01-22. Review status: criteria provided, single submitter. Criteria: Ambry Variant Classification Scheme 2023. Collection method: clinical testing. Allele origin: germline.
Comment: The p.G200S variant (also known as c.598G>A), located in coding exon 2 of the MEN1 gene, results from a G to A substitution at nucleotide position 598. The glycine at codon 200 is replaced by serine, an amino acid with similar properties. This amino acid position is highly conserved in available vertebrate species. In addition, this alteration is predicted to be deleterious by in silico analysis. Based on the available evidence, the clinical significance of this variant remains unclear.

NM_001370259.2(MEN1):c.598G>A (p.Gly200Ser)

Gene: MEN1 (menin 1; minus strand). Cytogenetic location: 11q13.1.
Variant type: single nucleotide variant.
Coding change: c.598G>A on transcript NM_001370259.2 (MANE Select); coding-DNA position 598, G replaced by A.
Protein change: p.Gly200Ser; replaces glycine 200 with serine.
Molecular consequence: missense variant. On other transcripts: intron variant (2).
Genome position (GRCh38, 1-based): chr11:64,807,947, C>T on the plus strand (G>A on the coding strand, the complement: MEN1 is on the minus strand). VCF-style: chr11-64807947-C-T. GRCh37 (hg19) VCF-style: chr11-64575419-C-T.
Other names: c.613G>A, p.Gly205Ser (NM_130802.3, NM_130803.3, NM_130804.3 and 3 more transcripts); c.549+49G>A (NM_001370263.2, NM_001370262.2); c.598G>A, p.Gly200Ser (NM_001370251.2, NM_001370260.2, NM_001370261.2 and 1 more transcripts); short protein forms G200S, G205S.
Identifiers: ClinVar variation 665583 (VCV000665583.11), dbSNP rs1592650813, ClinGen allele CA381185500.
Genomic context (GRCh38, chr11:64,807,947, plus strand): 5'-ATACCCGCTCAGCCACACCGGCATTGACTGTCTGGCCCCTGCGGTCCTCGTTGCCCTTGC[C>T]GTGCCAGGTGACCTCAGCTGTCTGCTCCCCATTGGGCCCAAACACTACCCAGGCATGATC-3'
Protein context (NP_001357188.2, residues 190-210): GEQTAEVTWH[Gly200Ser]KGNEDRRGQT